The following is an entry in ClinVar:

NM_173076.3(ABCA12):c.4941C>T (p.Ile1647=)

Gene: ABCA12 (ATP binding cassette subfamily A member 12; minus strand). Cytogenetic location: 2q35.
Variant type: single nucleotide variant.
Coding change: c.4941C>T on transcript NM_173076.3 (MANE Select); coding-DNA position 4941, C replaced by T.
Protein change: p.Ile1647=; no amino-acid change (isoleucine 1647 retained).
Molecular consequence: synonymous variant. On other transcripts: non-coding transcript variant (1).
Genome position (GRCh38, 1-based): chr2:214,978,840, G>A on the plus strand (C>T on the coding strand, the complement: ABCA12 is on the minus strand). VCF-style: chr2-214978840-G-A. GRCh37 (hg19) VCF-style: chr2-215843564-G-A.
Other names: c.3987C>T, p.Ile1329= (NM_015657.4).
Identifiers: ClinVar variation 334239 (VCV000334239.15), dbSNP rs75693572, ClinGen allele CA2091346.

ClinVar aggregate classification (germline): Benign. Review status: criteria provided, multiple submitters, no conflicts (2 of 4 stars). 3 submissions from 3 submitters: Benign (3). Last evaluated 2026-02-01.

Conditions:
Congenital ichthyosis of skin. Identifiers: MedGen C0020758.

Allele frequency attached by ClinVar (database versions not stated): gnomAD exomes 0.00081 and 0.00217; ExAC 0.00240; gnomAD 0.00705 and 0.00758; 1000 Genomes Project 0.00799; ESP Exome Variant Server 0.00846; TOPMed 0.00853; 1000 Genomes Project 30x 0.00953.
gnomAD v4.1: 2,306 of 1,613,982 alleles (0.14%); highest among the groups gnomAD compares: African/African-American, 2.5%; 26 homozygotes.

Submissions (3):

Labcorp Genetics (formerly Invitae), Labcorp
Classification: Benign. Last evaluated: 2026-02-01. Review status: criteria provided, single submitter. Criteria: Invitae Variant Classification Sherloc (09022015). Collection method: clinical testing. Allele origin: germline.

Illumina Laboratory Services, Illumina
Classification: Benign for Congenital ichthyosis of skin. Last evaluated: 2018-01-13. Review status: criteria provided, single submitter. Criteria: ICSL Variant Classification Criteria 13 December 2019. Collection method: clinical testing. Allele origin: germline.
Comment: This variant was observed in the ICSL laboratory as part of a predisposition screen in an ostensibly healthy population. It had not been previously curated by ICSL or reported in the Human Gene Mutation Database (HGMD: prior to June 1st, 2018), and was therefore a candidate for classification through an automated scoring system. Utilizing variant allele frequency, disease prevalence and penetrance estimates, and inheritance mode, an automated score was calculated to assess if this variant is too frequent to cause the disease. Based on the score and internal cut-off values, a variant classified as benign is not then subjected to further curation. The score for this variant resulted in a classification of benign for this disease.

Breakthrough Genomics
Classification: Benign. Review status: criteria provided, single submitter. Criteria: ACMG Guidelines, 2015. Collection method: not provided. Allele origin: germline. Inheritance: Autosomal recessive inheritance. Affected: yes.